The following is an entry in ClinVar:

ClinVar aggregate classification (germline): Uncertain significance. Review status: criteria provided, multiple submitters, no conflicts (2 of 4 stars). 3 submissions from 3 submitters: Uncertain significance (3). Last evaluated 2025-09-26.

Conditions:
Inborn genetic diseases. Identifiers: MedGen C0950123, MeSH D030342.
Congenital stationary night blindness 1E. Also called: Night blindness, congenital stationary (complete), 1E, autosomal recessive. Identifiers: Orphanet 215, MedGen C3281215, MONDO:0013807, OMIM 614565.

Allele frequency attached by ClinVar (database versions not stated): gnomAD below 0.00001 and 0.00001; gnomAD exomes below 0.00001 and 0.00001; TOPMed below 0.00001; ExAC 0.00002.
gnomAD v4.1: 5 of 1,613,990 alleles (0.00031%); highest among the groups gnomAD compares: Admixed American, 0.0033%; no homozygotes.

Submissions (3):

Ambry Genetics
Classification: Uncertain significance for Inborn genetic diseases. Last evaluated: 2025-09-26. Review status: criteria provided, single submitter. Criteria: Ambry Variant Classification Scheme 2023. Collection method: clinical testing. Allele origin: germline.

Labcorp Genetics (formerly Invitae), Labcorp
Classification: Uncertain significance. Last evaluated: 2023-03-14. Review status: criteria provided, single submitter. Criteria: Invitae Variant Classification Sherloc (09022015). Collection method: clinical testing. Allele origin: germline.
Comment: In summary, the available evidence is currently insufficient to determine the role of this variant in disease. Therefore, it has been classified as a Variant of Uncertain Significance. Algorithms developed to predict the effect of missense changes on protein structure and function output the following: SIFT: "Not Available"; PolyPhen-2: "Benign"; Align-GVGD: "Not Available". The tryptophan amino acid residue is found in multiple mammalian species, which suggests that this missense change does not adversely affect protein function. ClinVar contains an entry for this variant (Variation ID: 322988). This variant has not been reported in the literature in individuals affected with GPR179-related conditions. This variant is present in population databases (rs765046358, gnomAD 0.006%). This sequence change replaces arginine, which is basic and polar, with tryptophan, which is neutral and slightly polar, at codon 1307 of the GPR179 protein (p.Arg1307Trp).

Illumina Laboratory Services, Illumina
Classification: Uncertain significance for Congenital stationary night blindness 1E. Last evaluated: 2018-01-13. Review status: criteria provided, single submitter. Criteria: ICSL Variant Classification Criteria 13 December 2019. Collection method: clinical testing. Allele origin: germline.

NM_001004334.4(GPR179):c.3919C>T (p.Arg1307Trp)

Gene: GPR179 (G protein-coupled receptor 179; minus strand). Cytogenetic location: 17q12.
Variant type: single nucleotide variant.
Coding change: c.3919C>T on transcript NM_001004334.4 (MANE Select); coding-DNA position 3919, C replaced by T.
Protein change: p.Arg1307Trp; replaces arginine 1307 with tryptophan.
Molecular consequence: missense variant.
Genome position (GRCh38, 1-based): chr17:38,329,650, G>A on the plus strand (C>T on the coding strand, the complement: GPR179 is on the minus strand). VCF-style: chr17-38329650-G-A. GRCh37 (hg19) VCF-style: chr17-36485533-G-A.
Other names: short protein forms R1307W.
Identifiers: ClinVar variation 322988 (VCV000322988.7), dbSNP rs765046358, ClinGen allele CA10649157.